The following is an entry in ClinVar:

ClinVar aggregate classification (germline): Uncertain significance (1 of 4 stars; one submission).

Conditions:
Meckel-Gruber syndrome. Also called: DYSENCEPHALIA SPLANCHNOCYSTICA; GRUBER SYNDROME; Dysencephalia splachnocystica. Identifiers: Orphanet 564, MedGen C0265215, MONDO:0018921.
Joubert syndrome. Also called: CEREBELLOPARENCHYMAL DISORDER IV; JOUBERT-BOLTSHAUSER SYNDROME; Familial aplasia of the vermis. Identifiers: Orphanet 475, MedGen C5979921, MONDO:0018772.

Allele frequency attached by ClinVar (database versions not stated): gnomAD exomes below 0.00001; TOPMed below 0.00001.
gnomAD v4.1: 1 of 1,613,934 alleles (0.000062%); highest among the groups gnomAD compares: Non-Finnish European, 0.000085%; no homozygotes.

Submission:

Labcorp Genetics (formerly Invitae), Labcorp
Classification: Uncertain significance for Joubert syndrome; Meckel-Gruber syndrome. Last evaluated: 2024-03-11. Review status: criteria provided, single submitter. Criteria: Invitae Variant Classification Sherloc (09022015). Collection method: clinical testing. Allele origin: germline.
Comment: This sequence change replaces tyrosine, which is neutral and polar, with histidine, which is basic and polar, at codon 672 of the RPGRIP1L protein (p.Tyr672His). This variant is not present in population databases (gnomAD no frequency). This variant has not been reported in the literature in individuals affected with RPGRIP1L-related conditions. ClinVar contains an entry for this variant (Variation ID: 1505837). Advanced modeling of protein sequence and biophysical properties (such as structural, functional, and spatial information, amino acid conservation, physicochemical variation, residue mobility, and thermodynamic stability) performed at Invitae indicates that this missense variant is not expected to disrupt RPGRIP1L protein function with a negative predictive value of 80%. In summary, the available evidence is currently insufficient to determine the role of this variant in disease. Therefore, it has been classified as a Variant of Uncertain Significance.

NM_015272.5(RPGRIP1L):c.2014T>C (p.Tyr672His)

Gene: RPGRIP1L (RPGRIP1 like; minus strand). Cytogenetic location: 16q12.2.
Variant type: single nucleotide variant.
Coding change: c.2014T>C on transcript NM_015272.5 (MANE Select); coding-DNA position 2014, T replaced by C.
Protein change: p.Tyr672His; replaces tyrosine 672 with histidine.
Molecular consequence: missense variant.
Genome position (GRCh38, 1-based): chr16:53,652,673, A>G on the plus strand (T>C on the coding strand, the complement: RPGRIP1L is on the minus strand). VCF-style: chr16-53652673-A-G. GRCh37 (hg19) VCF-style: chr16-53686585-A-G.
Other names: c.2014T>C, p.Tyr672His (NM_001330538.2, NM_001127897.4, NM_001308334.3); short protein forms Y672H.
Identifiers: ClinVar variation 1505837 (VCV001505837.6), dbSNP rs1966881046, ClinGen allele CA395916838.